The following is an entry in ClinVar:

NM_058246.4(DNAJB6):c.290ATG[1] (p.Asp98del)

Gene: DNAJB6 (DnaJ heat shock protein family (Hsp40) member B6; plus strand). Cytogenetic location: 7q36.3.
Variant type: Microsatellite.
Coding change: c.290ATG[1] on transcript NM_058246.4 (MANE Select); one copy of the 3-base unit ATG starting at c.290; the reference has two copies in a row; one copy, 3 bases deleted.
Protein change: p.Asp98del; deletes aspartic acid 98.
Molecular consequence: inframe deletion.
Genome position (GRCh38, 1-based): chr7:157,367,430-157,367,432, ATG deleted; deleting any 3 consecutive bases within chr7:157,367,426-157,367,432 gives the same sequence; the position shown is the placement nearest the transcript's 3' end. VCF-style (leftmost placement, unchanged base first): chr7-157367425-AGAT-A. GRCh37 (hg19) VCF-style: chr7-157160119-AGAT-A.
Other names: c.290ATG[1], p.Asp98del (NM_001363676.1, NM_005494.3); short protein forms D98del.
Identifiers: ClinVar variation 4737597 (VCV004737597.1).

ClinVar aggregate classification (germline): Pathogenic (1 of 4 stars; one submission).

Conditions:
Autosomal dominant limb-girdle muscular dystrophy type 1D (DNAJB6) (LGMDD1). Also called: MUSCULAR DYSTROPHY, LIMB-GIRDLE, TYPE 1D; MUSCULAR DYSTROPHY, AUTOSOMAL DOMINANT, WITH RIMMED VACUOLES; Autosomal dominant limb-girdle muscular dystrophy type 1D; Muscular dystrophy, limb-girdle, autosomal dominant 1. Identifiers: Orphanet 34516, MedGen C4721885, MONDO:0021018, OMIM 603511.

Submission:

Labcorp Genetics (formerly Invitae), Labcorp
Classification: Pathogenic for Autosomal dominant limb-girdle muscular dystrophy type 1D (DNAJB6). Last evaluated: 2025-05-28. Review status: criteria provided, single submitter. Criteria: Invitae Variant Classification Sherloc (09022015). Collection method: clinical testing. Allele origin: germline.
Comment: This variant, c.293_295del, results in the deletion of 1 amino acid(s) of the DNAJB6 protein (p.Asp98del), but otherwise preserves the integrity of the reading frame. This variant is not present in population databases (gnomAD no frequency). This variant has been observed in individual(s) with clinical features of distal myopathy (PMID: 29437287, 35165376). In at least one individual the variant was observed to be de novo. Algorithms developed to predict the effect of variants on gene product structure and function are not available or were not evaluated for this variant. Experimental studies have shown that this variant affects DNAJB6 function (PMID: 29437287, 35165376). For these reasons, this variant has been classified as Pathogenic.

Literature cited by the submitters: PubMed 29437287; PubMed 35165376.